The following is an entry in ClinVar:

NM_199420.4(POLQ):c.7288A>G (p.Thr2430Ala)

Gene: POLQ (DNA polymerase theta; minus strand). Cytogenetic location: 3q13.33.
Variant type: single nucleotide variant.
Coding change: c.7288A>G on transcript NM_199420.4 (MANE Select); coding-DNA position 7288, A replaced by G.
Protein change: p.Thr2430Ala; replaces threonine 2430 with alanine.
Molecular consequence: missense variant.
Genome position (GRCh38, 1-based): chr3:121,440,093, T>C on the plus strand (A>G on the coding strand, the complement: POLQ is on the minus strand). VCF-style: chr3-121440093-T-C. GRCh37 (hg19) VCF-style: chr3-121158940-T-C.
Other names: short protein forms T2430A.
Identifiers: ClinVar variation 3422414 (VCV003422414.1).
Genomic context (GRCh38, chr3:121,440,093, plus strand): 5'-AATATCTACGCCTTCCCAAAATGGTCTGAACAAATCCGTCTCTTTTACAATTCTTCACTG[T>C]CTCTGTCATGAATTGATTAATCCCTACAAAGAAAATACAGAAATAATTAATTAGAACCAA-3'
Protein context (NP_955452.3, residues 2420-2440): YTGINQFMTE[Thr2430Ala]VKNCKRDGFV

ClinVar aggregate classification (germline): Uncertain significance (1 of 4 stars; one submission).

gnomAD v4.1: 3 of 1,606,860 alleles (0.00019%); highest among the groups gnomAD compares: Non-Finnish European, 0.00026%; no homozygotes.

Submission:

Ambry Genetics
Classification: Uncertain significance. Last evaluated: 2024-09-15. Review status: criteria provided, single submitter. Criteria: Ambry Variant Classification Scheme 2023. Collection method: clinical testing. Allele origin: germline.
Comment: The p.T2430A variant (also known as c.7288A>G), located in coding exon 27 of the POLQ gene, results from an A to G substitution at nucleotide position 7288. The threonine at codon 2430 is replaced by alanine, an amino acid with similar properties. This amino acid position is conserved. In addition, the in silico prediction for this alteration is inconclusive. Based on the available evidence, the clinical significance of this variant remains unclear.